The following is an entry in ClinVar:

NM_007294.4(BRCA1):c.5194-20T>A

Gene: BRCA1 (BRCA1 DNA repair associated; minus strand). Cytogenetic location: 17q21.31.
Variant type: single nucleotide variant.
Coding change: c.5194-20T>A on transcript NM_007294.4 (MANE Select); 20 bases into the intron before coding-DNA position 5194, T replaced by A.
Molecular consequence: intron variant.
Genome position (GRCh38, 1-based): chr17:43,057,155, A>T on the plus strand (T>A on the coding strand, the complement: BRCA1 is on the minus strand). VCF-style: chr17-43057155-A-T. GRCh37 (hg19) VCF-style: chr17-41209172-A-T.
Other names: c.1741-20T>A (NM_001408458.1, NM_001408461.1, NM_001408464.1 and 7 more transcripts); c.4303-20T>A (NM_001407967.1); c.4813-20T>A (NM_001407959.1); c.4927-20T>A (NM_001407931.1, NM_001407932.1, NM_001407928.1 and 4 more transcripts); c.5050-20T>A (NM_001407747.1, NM_001407745.1, NM_001407737.1 and 21 more transcripts); c.4810-20T>A (NM_001407962.1, NM_001407960.1); c.1381-20T>A (NM_001408512.1); c.1504-20T>A (NM_001408510.1); and 72 more.
Identifiers: ClinVar variation 514037 (VCV000514037.2), dbSNP rs1555577001, ClinGen allele CA658798062.

ClinVar aggregate classification (germline): Likely benign (1 of 4 stars; one submission).

Submission:

GeneDx
Classification: Likely benign. Last evaluated: 2017-12-06. Review status: criteria provided, single submitter. Criteria: GeneDx Variant Classification (06012015). Collection method: clinical testing. Allele origin: germline. Affected: yes.
Comment: This variant is considered likely benign or benign based on one or more of the following criteria: it is a conservative change, it occurs at a poorly conserved position in the protein, it is predicted to be benign by multiple in silico algorithms, and/or has population frequency not consistent with disease.